The following is an entry in ClinVar:

NM_001367624.2(ZNF469):c.8350C>T (p.Arg2784Ter)

Gene: ZNF469 (zinc finger protein 469; plus strand). Cytogenetic location: 16q24.2.
Variant type: single nucleotide variant.
Coding change: c.8350C>T on transcript NM_001367624.2 (MANE Select); coding-DNA position 8350, C replaced by T.
Protein change: p.Arg2784Ter; replaces arginine 2784 with a stop codon.
Molecular consequence: nonsense.
Genome position (GRCh38, 1-based): chr16:88,435,820, C>T. VCF-style: chr16-88435820-C-T. GRCh37 (hg19) VCF-style: chr16-88502228-C-T.
Other names: short protein forms R2784*.
Identifiers: ClinVar variation 1363096 (VCV001363096.8), dbSNP rs1172315984, ClinGen allele CA397117497.

ClinVar aggregate classification (germline): Pathogenic/Likely pathogenic. Review status: criteria provided, multiple submitters, no conflicts (2 of 4 stars). 3 submissions from 3 submitters: Pathogenic (1); Likely pathogenic (2). Last evaluated 2025-02-06.

Conditions:
Brittle cornea syndrome 1 (BCS1). Also called: CORNEAL FRAGILITY, KERATOGLOBUS, BLUE SCLERAE, JOINT HYPEREXTENSIBILITY; EDS6B; FRAGILITAS OCULI WITH JOINT HYPEREXTENSIBILITY; Corneal fragility keratoglobus, blue sclerae AND joint hypermobility; DYSGENESIS MESODERMALIS CORNEAE ET SCLERAE. Identifiers: Orphanet 90354, MedGen C0268344, MONDO:0024543, OMIM 229200.

Allele frequency attached by ClinVar (database versions not stated): gnomAD exomes 0.00001.
gnomAD v4.1: 9 of 1,550,396 alleles (0.00058%); highest among the groups gnomAD compares: Non-Finnish European, 0.00078%; no homozygotes.

Submissions (3):

Labcorp Genetics (formerly Invitae), Labcorp
Classification: Pathogenic. Last evaluated: 2025-02-06. Review status: criteria provided, single submitter. Criteria: Invitae Variant Classification Sherloc (09022015). Collection method: clinical testing. Allele origin: germline.
Comment: This sequence change creates a premature translational stop signal (p.Arg2756*) in the ZNF469 gene. While this is not anticipated to result in nonsense mediated decay, it is expected to disrupt the last 1170 amino acid(s) of the ZNF469 protein. This variant is not present in population databases (gnomAD no frequency). This variant has not been reported in the literature in individuals affected with ZNF469-related conditions. ClinVar contains an entry for this variant (Variation ID: 1363096). This variant disrupts a region of the ZNF469 protein in which other variant(s) (p.Arg3414Glyfs*59) have been determined to be pathogenic (PMID: 32671420). This suggests that this is a clinically significant region of the protein, and that variants that disrupt it are likely to be disease-causing. For these reasons, this variant has been classified as Pathogenic.

Fulgent Genetics
Classification: Likely pathogenic for Brittle cornea syndrome 1. Last evaluated: 2024-06-03. Review status: criteria provided, single submitter. Criteria: ACMG Guidelines, 2015. Collection method: clinical testing. Allele origin: germline.

Women's Health and Genetics/Laboratory Corporation of America, LabCorp
Classification: Likely pathogenic for Brittle cornea syndrome 1. Last evaluated: 2022-12-15. Review status: criteria provided, single submitter. Criteria: LabCorp Variant Classification Summary - May 2015. Collection method: clinical testing. Allele origin: germline.
Comment: Variant summary: ZNF469 c.8350C>T (p.Arg2784X) is located in exon 3 (i.e. the last exon) and results in a premature termination codon, predicted to remove a large part of the 3925 amino acid long protein, including several zinc finger domains (InterPro). Truncations downstream of this position have been eported in individuals affected with Brittle cornea syndrome (HGMD). The variant was absent in 153844 control chromosomes (gnomAD). To our knowledge, no occurrence of c.8350C>T in individuals affected with Brittle Cornea Syndrome 1 and no experimental evidence demonstrating its impact on protein function have been reported. One clinical diagnostic laboratory has submitted clinical-significance assessments for this variant to ClinVar after 2014, and classified the variant as uncertain significance. Based on the evidence outlined above, the variant was classified as likely pathogenic.

Literature cited by the submitters: PubMed 32671420 (cited by Labcorp Genetics (formerly Invitae), Labcorp).